The following is an entry in ClinVar:

ClinVar aggregate classification (germline): Uncertain significance (1 of 4 stars; one submission).

Conditions:
Spastic paraplegia. Identifiers: MedGen C0037772, HP:0001258.

Allele frequency attached by ClinVar (database versions not stated): TOPMed 0.00001; ExAC 0.00002; gnomAD 0.00002; gnomAD exomes 0.00002.
gnomAD v4.1: 23 of 1,613,832 alleles (0.0014%); highest among the groups gnomAD compares: South Asian, 0.0022%; no homozygotes.

Submission:

Labcorp Genetics (formerly Invitae), Labcorp
Classification: Uncertain significance for Spastic paraplegia. Last evaluated: 2024-08-14. Review status: criteria provided, single submitter. Criteria: Invitae Variant Classification Sherloc (09022015). Collection method: clinical testing. Allele origin: germline.
Comment: This sequence change replaces arginine, which is basic and polar, with tryptophan, which is neutral and slightly polar, at codon 718 of the KIF5A protein (p.Arg718Trp). This variant is present in population databases (rs769871370, gnomAD 0.006%). This missense change has been observed in individual(s) with amyotrophic lateral sclerosis (PMID: 33589474, 35896380). ClinVar contains an entry for this variant (Variation ID: 1476961). Invitae Evidence Modeling of protein sequence and biophysical properties (such as structural, functional, and spatial information, amino acid conservation, physicochemical variation, residue mobility, and thermodynamic stability) has been performed for this missense variant. However, the output from this modeling did not meet the statistical confidence thresholds required to predict the impact of this variant on KIF5A protein function. In summary, the available evidence is currently insufficient to determine the role of this variant in disease. Therefore, it has been classified as a Variant of Uncertain Significance.

Literature cited by the submitters: PubMed 33589474; PubMed 35896380.

NM_004984.4(KIF5A):c.2152C>T (p.Arg718Trp)

Gene: KIF5A (kinesin family member 5A; plus strand). Cytogenetic location: 12q13.3.
Variant type: single nucleotide variant.
Coding change: c.2152C>T on transcript NM_004984.4 (MANE Select); coding-DNA position 2152, C replaced by T.
Protein change: p.Arg718Trp; replaces arginine 718 with tryptophan.
Molecular consequence: missense variant.
Genome position (GRCh38, 1-based): chr12:57,576,332, C>T. VCF-style: chr12-57576332-C-T. GRCh37 (hg19) VCF-style: chr12-57970115-C-T.
Other names: c.1885C>T, p.Arg629Trp (NM_001354705.2); short protein forms R718W, R629W.
Identifiers: ClinVar variation 1476961 (VCV001476961.6), dbSNP rs769871370, ClinGen allele CA6653019.